The following is an entry in ClinVar:

ClinVar aggregate classification (germline): Uncertain significance (1 of 4 stars; one submission).

Conditions:
Exostoses, multiple, type 2 (EXT2). Also called: EXOSTOSES, MULTIPLE, TYPE II; Hereditary Multiple Osteochondromatosis, Type II. Identifiers: Orphanet 321, MedGen C1851413, MONDO:0007586, OMIM 133701.

Allele frequency attached by ClinVar (database versions not stated): ExAC 0.00003; gnomAD exomes 0.00003 and 0.00006; gnomAD 0.00007 and 0.00008; TOPMed 0.00011.
gnomAD v4.1: 56 of 1,613,884 alleles (0.0035%); highest among the groups gnomAD compares: Admixed American, 0.038%; no homozygotes.

Submission:

Labcorp Genetics (formerly Invitae), Labcorp
Classification: Uncertain significance for Exostoses, multiple, type 2. Last evaluated: 2022-09-07. Review status: criteria provided, single submitter. Criteria: Invitae Variant Classification Sherloc (09022015). Collection method: clinical testing. Allele origin: germline.
Comment: In summary, the available evidence is currently insufficient to determine the role of this variant in disease. Therefore, it has been classified as a Variant of Uncertain Significance. Algorithms developed to predict the effect of sequence changes on RNA splicing suggest that this variant may create or strengthen a splice site. ClinVar contains an entry for this variant (Variation ID: 1361560). This variant has not been reported in the literature in individuals affected with EXT2-related conditions. This variant is present in population databases (rs755926713, gnomAD 0.03%). This sequence change falls in intron 4 of the EXT2 gene. It does not directly change the encoded amino acid sequence of the EXT2 protein.

NM_207122.2(EXT2):c.744-6T>A

Gene: EXT2 (exostosin glycosyltransferase 2; plus strand). Cytogenetic location: 11p11.2.
Variant type: single nucleotide variant.
Coding change: c.744-6T>A on transcript NM_207122.2 (MANE Select); 6 bases into the intron before coding-DNA position 744, T replaced by A.
Molecular consequence: intron variant.
Genome position (GRCh38, 1-based): chr11:44,124,783, T>A. VCF-style: chr11-44124783-T-A. GRCh37 (hg19) VCF-style: chr11-44146333-T-A.
Other names: c.744-6T>A (NM_001389630.1, NM_001178083.3, NM_001389628.1); c.843-6T>A (NM_000401.3).
Identifiers: ClinVar variation 1361560 (VCV001361560.6), dbSNP rs755926713, ClinGen allele CA5954999.